The following is an entry in ClinVar:

NM_033510.3(DISP2):c.627C>T (p.Asp209=)

Gene: DISP2 (dispatched RND transporter family member 2; plus strand). Cytogenetic location: 15q15.1.
Variant type: single nucleotide variant.
Coding change: c.627C>T on transcript NM_033510.3 (MANE Select); coding-DNA position 627, C replaced by T.
Protein change: p.Asp209=; no amino-acid change (aspartic acid 209 retained).
Molecular consequence: synonymous variant.
Genome position (GRCh38, 1-based): chr15:40,364,861, C>T. VCF-style: chr15-40364861-C-T. GRCh37 (hg19) VCF-style: chr15-40657062-C-T.
Identifiers: ClinVar variation 2645168 (VCV002645168.24), dbSNP rs75422658, ClinGen allele CA7479211.

ClinVar aggregate classification (germline): Likely benign (1 of 4 stars; one submission).

Allele frequency attached by ClinVar (database versions not stated): gnomAD exomes 0.00021; ExAC 0.00077; 1000 Genomes Project 30x 0.00250; ESP Exome Variant Server 0.00254; gnomAD 0.00260; TOPMed 0.00264; 1000 Genomes Project 0.00280.

Submission:

CeGaT Center for Human Genetics Tuebingen
Classification: Likely benign. Last evaluated: 2023-02-01. Review status: criteria provided, single submitter. Criteria: CeGaT Center For Human Genetics Tuebingen Variant Classification Criteria Version 2. Collection method: clinical testing. Allele origin: germline. Affected: yes. Observed: 1 variant allele.
Comment: DISP2: BP4, BP7